The following is an entry in ClinVar:

ClinVar aggregate classification (germline): Uncertain significance (1 of 4 stars; one submission).

Conditions:
Inborn genetic diseases. Identifiers: MedGen C0950123, MeSH D030342.

Submission:

Ambry Genetics
Classification: Uncertain significance for Inborn genetic diseases. Last evaluated: 2023-10-18. Review status: criteria provided, single submitter. Criteria: Ambry Variant Classification Scheme 2023. Collection method: clinical testing. Allele origin: germline.
Comment: The c.286C>G (p.L96V) alteration is located in exon 3 (coding exon 3) of the STIM1 gene. This alteration results from a C to G substitution at nucleotide position 286, causing the leucine (L) at amino acid position 96 to be replaced by a valine (V). This variant was not reported in population-based cohorts in the Genome Aggregation Database (gnomAD). This variant was reported de novo in one individual with features consistent with STIM1-related tubular aggregate myopathies (B&ouml;hm, 2014). This amino acid position is highly conserved in available vertebrate species. In vitro functional studies suggest this alteration leads to constitutive clustering of STIM1 in myoblasts (B&ouml;hm, 2014). The in silico prediction for this alteration is inconclusive. Based on insufficient or conflicting evidence, the clinical significance of this alteration remains unclear.

Literature cited by the submitters: PubMed 25326555.

NM_001382567.1(STIM1):c.286C>G (p.Leu96Val)

Gene: STIM1 (stromal interaction molecule 1; plus strand). Cytogenetic location: 11p15.4.
Variant type: single nucleotide variant.
Coding change: c.286C>G on transcript NM_001382567.1 (MANE Select); coding-DNA position 286, C replaced by G.
Protein change: p.Leu96Val; replaces leucine 96 with valine.
Molecular consequence: missense variant. On other transcripts: 5 prime UTR variant (3), non-coding transcript variant (3).
Genome position (GRCh38, 1-based): chr11:4,023,888, C>G. VCF-style: chr11-4023888-C-G. GRCh37 (hg19) VCF-style: chr11-4045118-C-G.
Other names: c.286C>G, p.Leu96Val (NM_001277961.3, NM_001277962.2, NM_001382568.1 and 3 more transcripts); c.64C>G, p.Leu22Val (NM_001382566.1, NM_001382573.1, NM_001382574.1 and 5 more transcripts); c.151C>G, p.Leu51Val (NM_001382569.1); c.-83C>G (NM_001382571.1); c.-204C>G (NM_001382580.1, NM_001382581.1); short protein forms L22V, L96V, L51V.
Identifiers: ClinVar variation 3171202 (VCV003171202.1), dbSNP rs2497905960, ClinGen allele CA379485186.